The following is an entry in ClinVar:

ClinVar aggregate classification (germline): Uncertain significance (1 of 4 stars; one submission).

Conditions:
Spermatogenic failure 18. Identifiers: MedGen C4539783, MONDO:0054615, OMIM 617576.
Ciliary dyskinesia, primary, 37 (CILD37). Also called: CILIARY DYSKINESIA, PRIMARY, 37, WITH OR WITHOUT SITUS INVERSUS. Identifiers: MedGen C4539798, MONDO:0033204, OMIM 617577.

gnomAD v4.1: 18 of 1,587,452 alleles (0.0011%); highest among the groups gnomAD compares: South Asian, 0.0069%; no homozygotes.

Submission:

Labcorp Genetics (formerly Invitae), Labcorp
Classification: Uncertain significance for Ciliary dyskinesia, primary, 37; Spermatogenic failure 18. Last evaluated: 2024-10-02. Review status: criteria provided, single submitter. Criteria: Invitae Variant Classification Sherloc (09022015). Collection method: clinical testing. Allele origin: germline.
Comment: This sequence change replaces arginine, which is basic and polar, with cysteine, which is neutral and slightly polar, at codon 2486 of the DNAH1 protein (p.Arg2486Cys). This variant is present in population databases (rs755633690, gnomAD 0.03%). This variant has not been reported in the literature in individuals affected with DNAH1-related conditions. ClinVar contains an entry for this variant (Variation ID: 2063169). An algorithm developed to predict the effect of missense changes on protein structure and function outputs the following: PolyPhen-2: "Benign". The cysteine amino acid residue is found in multiple mammalian species, which suggests that this missense change does not adversely affect protein function. In summary, the available evidence is currently insufficient to determine the role of this variant in disease. Therefore, it has been classified as a Variant of Uncertain Significance.

NM_015512.5(DNAH1):c.7456C>T (p.Arg2486Cys)

Gene: DNAH1 (dynein axonemal heavy chain 1; plus strand). Cytogenetic location: 3p21.1.
Variant type: single nucleotide variant.
Coding change: c.7456C>T on transcript NM_015512.5 (MANE Select); coding-DNA position 7456, C replaced by T.
Protein change: p.Arg2486Cys; replaces arginine 2486 with cysteine.
Molecular consequence: missense variant.
Genome position (GRCh38, 1-based): chr3:52,379,983, C>T. VCF-style: chr3-52379983-C-T. GRCh37 (hg19) VCF-style: chr3-52413999-C-T.
Other names: short protein forms R2486C.
Identifiers: ClinVar variation 2063169 (VCV002063169.4), dbSNP rs755633690, ClinGen allele CA2434891.